The following is an entry in ClinVar:

NM_014714.4(IFT140):c.830C>T (p.Thr277Ile)

Genes: IFT140 (intraflagellar transport 140; minus strand), LOC105371046 (uncharacterized LOC105371046; plus strand). Cytogenetic location: 16p13.3.
Variant type: single nucleotide variant.
Coding change: c.830C>T on transcript NM_014714.4 (MANE Select); coding-DNA position 830, C replaced by T.
Protein change: p.Thr277Ile; replaces threonine 277 with isoleucine.
Molecular consequence: missense variant.
Genome position (GRCh38, 1-based): chr16:1,588,005, G>A on the plus strand (C>T on the coding strand, the complement: IFT140 is on the minus strand). VCF-style: chr16-1588005-G-A. GRCh37 (hg19) VCF-style: chr16-1638006-G-A.
Other names: short protein forms T277I.
Identifiers: ClinVar variation 4705974 (VCV004705974.1).

ClinVar aggregate classification (germline): Uncertain significance (1 of 4 stars; one submission).

Conditions:
Saldino-Mainzer syndrome (SRTD9). Also called: CONORENAL SYNDROME; Renal dysplasia, retinal pigmentary dystrophy, cerebellar ataxia and skeletal dysplasia; SHORT-RIB THORACIC DYSPLASIA 9 WITHOUT POLYDACTYLY; short-rib thoracic dysplasia 9 with or without polydactyly. Identifiers: Orphanet 140969, MedGen C1849437, MONDO:0009964, OMIM 266920.

gnomAD v4.1: 3 of 1,613,788 alleles (0.00019%); highest among the groups gnomAD compares: Non-Finnish European, 0.00025%; no homozygotes.

Submission:

Labcorp Genetics (formerly Invitae), Labcorp
Classification: Uncertain significance for Saldino-Mainzer syndrome. Last evaluated: 2025-09-22. Review status: criteria provided, single submitter. Criteria: Invitae Variant Classification Sherloc (09022015). Collection method: clinical testing. Allele origin: germline.
Comment: This sequence change replaces threonine, which is neutral and polar, with isoleucine, which is neutral and non-polar, at codon 277 of the IFT140 protein (p.Thr277Ile). This variant is not present in population databases (gnomAD no frequency). This variant has not been reported in the literature in individuals affected with IFT140-related conditions. Invitae Evidence Modeling of protein sequence and biophysical properties (such as structural, functional, and spatial information, amino acid conservation, physicochemical variation, residue mobility, and thermodynamic stability) indicates that this missense variant is not expected to disrupt IFT140 protein function with a negative predictive value of 95%. In summary, the available evidence is currently insufficient to determine the role of this variant in disease. Therefore, it has been classified as a Variant of Uncertain Significance.